The following is an entry in ClinVar:

ClinVar aggregate classification (germline): Conflicting classifications of pathogenicity. Review status: criteria provided, conflicting classifications (1 of 4 stars). 2 submissions from 2 submitters: Uncertain significance (1); Likely benign (1). Last evaluated 2024-10-02.

Conditions:
Emery-Dreifuss muscular dystrophy (EDMD). Also called: Scapuloperoneal syndrome, X-linked (formerly); Humeroperoneal neuromuscular disease, (formerly). Identifiers: Orphanet 261, MedGen C0410189, MONDO:0016830.

Allele frequency attached by ClinVar (database versions not stated): ExAC 0.00006; gnomAD 0.00017 and 0.00019; TOPMed 0.00028; 1000 Genomes Project 0.00040; 1000 Genomes Project 30x 0.00047.
gnomAD v4.1: 48 of 1,614,238 alleles (0.003%); highest among the groups gnomAD compares: African/African-American, 0.035%; no homozygotes.

Submissions (2):

Labcorp Genetics (formerly Invitae), Labcorp
Classification: Uncertain significance for Emery-Dreifuss muscular dystrophy. Last evaluated: 2024-10-02. Review status: criteria provided, single submitter. Criteria: Invitae Variant Classification Sherloc (09022015). Collection method: clinical testing. Allele origin: germline.
Comment: This sequence change replaces threonine, which is neutral and polar, with serine, which is neutral and polar, at codon 121 of the SUN1 protein (p.Thr121Ser). This variant is present in population databases (rs541487561, gnomAD 0.03%). This variant has not been reported in the literature in individuals affected with SUN1-related conditions. ClinVar contains an entry for this variant (Variation ID: 461659). An algorithm developed to predict the effect of missense changes on protein structure and function outputs the following: PolyPhen-2: "Benign". The serine amino acid residue is found in multiple mammalian species, which suggests that this missense change does not adversely affect protein function. In summary, the available evidence is currently insufficient to determine the role of this variant in disease. Therefore, it has been classified as a Variant of Uncertain Significance.

Ambry Genetics
Classification: Likely benign. Last evaluated: 2023-12-14. Review status: criteria provided, single submitter. Criteria: Ambry Variant Classification Scheme 2023. Collection method: clinical testing. Allele origin: germline.

NM_001130965.3(SUN1):c.362C>G (p.Thr121Ser)

Gene: SUN1 (Sad1 and UNC84 domain containing 1; plus strand). Cytogenetic location: 7p22.3.
Variant type: single nucleotide variant.
Coding change: c.362C>G on transcript NM_001130965.3 (MANE Select); coding-DNA position 362, C replaced by G.
Protein change: p.Thr121Ser; replaces threonine 121 with serine.
Molecular consequence: missense variant. On other transcripts: 5 prime UTR variant (4), non-coding transcript variant (3).
Genome position (GRCh38, 1-based): chr7:842,041, C>G. VCF-style: chr7-842041-C-G. GRCh37 (hg19) VCF-style: chr7-881678-C-G.
Other names: c.362C>G, p.Thr121Ser (NM_001367705.1, NM_001367682.1, NM_001367683.1 and 34 more transcripts); c.212C>G, p.Thr71Ser (NM_001367706.1, NM_025154.6, NM_001367679.1 and 24 more transcripts); c.-206C>G (NM_001367708.1, NM_001367639.1); c.173C>G, p.Thr58Ser (NM_001367695.1); c.425C>G, p.Thr142Ser (NM_001171945.2); c.-96C>G (NM_001367635.1); c.581C>G, p.Thr194Ser (NM_001367651.1); c.-400C>G (NM_001367658.1); short protein forms T121S, T58S, T71S, T142S, T194S.
Identifiers: ClinVar variation 461659 (VCV000461659.12), dbSNP rs541487561, ClinGen allele CA4111482.